The following is an entry in ClinVar:

ClinVar aggregate classification (germline): Uncertain significance. Review status: criteria provided, multiple submitters, no conflicts (2 of 4 stars). 2 submissions from 2 submitters: Uncertain significance (2). Last evaluated 2025-12-29.

Conditions:
Hereditary cancer-predisposing syndrome. Also called: Hereditary neoplastic syndrome; Hereditary Cancer Syndrome; Neoplastic Syndromes, Hereditary; Tumor predisposition. Identifiers: Orphanet 140162, MedGen C0027672, MeSH D009386, MONDO:0015356.
Familial cancer of breast. Also called: hereditary breast carcinoma; Hereditary breast cancer; BREAST CANCER, FAMILIAL. Identifiers: Orphanet 227535, MedGen C0346153, MONDO:0016419, OMIM 114480. Disease mechanism: loss of function.

Submissions (2):

Labcorp Genetics (formerly Invitae), Labcorp
Classification: Uncertain significance for Familial cancer of breast. Last evaluated: 2025-12-29. Review status: criteria provided, single submitter. Criteria: Invitae Variant Classification Sherloc (09022015). Collection method: clinical testing. Allele origin: germline.
Comment: This sequence change replaces cysteine, which is neutral and slightly polar, with tyrosine, which is neutral and polar, at codon 1078 of the PALB2 protein (p.Cys1078Tyr). This variant is not present in population databases (gnomAD no frequency). This variant has not been reported in the literature in individuals affected with PALB2-related conditions. ClinVar contains an entry for this variant (Variation ID: 2567567). An algorithm developed to predict the effect of missense changes on protein structure and function (PolyPhen-2) suggests that this variant is likely to be disruptive. In summary, the available evidence is currently insufficient to determine the role of this variant in disease. Therefore, it has been classified as a Variant of Uncertain Significance.

Ambry Genetics
Classification: Uncertain significance for Hereditary cancer-predisposing syndrome. Last evaluated: 2023-04-08. Review status: criteria provided, single submitter. Criteria: Ambry Variant Classification Scheme 2023. Collection method: clinical testing. Allele origin: germline.
Comment: The p.C1078Y variant (also known as c.3233G>A), located in coding exon 12 of the PALB2 gene, results from a G to A substitution at nucleotide position 3233. The cysteine at codon 1078 is replaced by tyrosine, an amino acid with highly dissimilar properties. This amino acid position is conserved. In addition, this alteration is predicted to be tolerated by in silico analysis. Since supporting evidence is limited at this time, the clinical significance of this alteration remains unclear.

NM_024675.4(PALB2):c.3233G>A (p.Cys1078Tyr)

Gene: PALB2 (partner and localizer of BRCA2; minus strand). Cytogenetic location: 16p12.2.
Variant type: single nucleotide variant.
Coding change: c.3233G>A on transcript NM_024675.4 (MANE Select); coding-DNA position 3233, G replaced by A.
Protein change: p.Cys1078Tyr; replaces cysteine 1078 with tyrosine.
Molecular consequence: missense variant. On other transcripts: intron variant (8).
Genome position (GRCh38, 1-based): chr16:23,607,981, C>T on the plus strand (G>A on the coding strand, the complement: PALB2 is on the minus strand). VCF-style: chr16-23607981-C-T. GRCh37 (hg19) VCF-style: chr16-23619302-C-T.
Other names: c.3173G>A, p.Cys1058Tyr (NM_001407296.1); c.3161G>A, p.Cys1054Tyr (NM_001407297.1); c.3071G>A, p.Cys1024Tyr (NM_001407298.1); c.2954G>A, p.Cys985Tyr (NM_001407300.1); c.2348G>A, p.Cys783Tyr (NM_001407304.1, NM_001407305.1, NM_001407306.1); c.2186G>A, p.Cys729Tyr (NM_001407307.1); c.1445G>A, p.Cys482Tyr (NM_001407312.1); c.767G>A, p.Cys256Tyr (NM_001407314.1); and 6 more; short protein forms C729Y, C1054Y, C256Y, C783Y, C1078Y, C1024Y, C1058Y, C482Y.
Identifiers: ClinVar variation 2567567 (VCV002567567.3), dbSNP rs1567206945, ClinGen allele CA395139973.